The following is an entry in ClinVar:

NM_001374828.1(ARID1B):c.5223A>G (p.Pro1741=)

Gene: ARID1B (AT-rich interaction domain 1B; plus strand). Cytogenetic location: 6q25.3.
Variant type: single nucleotide variant.
Coding change: c.5223A>G on transcript NM_001374828.1 (MANE Select); coding-DNA position 5223, A replaced by G.
Protein change: p.Pro1741=; no amino-acid change (proline 1741 retained).
Molecular consequence: synonymous variant.
Genome position (GRCh38, 1-based): chr6:157,201,448, A>G. VCF-style: chr6-157201448-A-G. GRCh37 (hg19) VCF-style: chr6-157522582-A-G.
Other names: c.4974A>G, p.Pro1658= (NM_001346813.1); c.2724A>G, p.Pro908= (NM_001363725.2); c.5103A>G, p.Pro1701= (NM_001371656.1, NM_001374820.1); c.5064A>G, p.Pro1688= (NM_017519.3); c.4854A>G, p.Pro1618= (NM_020732.3); c.4641A>G, p.Pro1547= (NM_175863.2).
Identifiers: ClinVar variation 2160346 (VCV002160346.6), dbSNP rs371430687, ClinGen allele CA4067772.

ClinVar aggregate classification (germline): Likely benign. Review status: criteria provided, single submitter (1 of 4 stars). 2 submissions from 2 submitters: Likely benign (1). 1 of the submissions does not count toward it. Last evaluated 2025-11-13.

Conditions:
ARID1B-Related Disorder. Identifiers: MedGen CN381337.

Allele frequency attached by ClinVar (database versions not stated): ExAC 0.00005; gnomAD 0.00007; ESP Exome Variant Server 0.00008; TOPMed 0.00010; 1000 Genomes Project 0.00020; 1000 Genomes Project 30x 0.00047.
gnomAD v4.1: 21 of 1,524,064 alleles (0.0014%); highest among the groups gnomAD compares: African/African-American, 0.019%; no homozygotes.

Submissions (2):

Labcorp Genetics (formerly Invitae), Labcorp
Classification: Likely benign. Last evaluated: 2025-11-13. Review status: criteria provided, single submitter. Criteria: Invitae Variant Classification Sherloc (09022015). Collection method: clinical testing. Allele origin: germline.

PreventionGenetics, part of Exact Sciences
Classification: Likely benign for ARID1B-related condition. Last evaluated: 2019-10-28. Review status: no assertion criteria provided. Collection method: clinical testing. Allele origin: germline. Not counted in ClinVar's aggregate classification.
Comment: This variant is classified as likely benign based on ACMG/AMP sequence variant interpretation guidelines (Richards et al. 2015 PMID: 25741868, with internal and published modifications).